The following is an entry in ClinVar:

NM_032888.4(COL27A1):c.698G>C (p.Arg233Thr)

Gene: COL27A1 (collagen type XXVII alpha 1 chain; plus strand). Cytogenetic location: 9q32.
Variant type: single nucleotide variant.
Coding change: c.698G>C on transcript NM_032888.4 (MANE Select); coding-DNA position 698, G replaced by C.
Protein change: p.Arg233Thr; replaces arginine 233 with threonine.
Molecular consequence: missense variant.
Genome position (GRCh38, 1-based): chr9:114,168,253, G>C. VCF-style: chr9-114168253-G-C. GRCh37 (hg19) VCF-style: chr9-116930533-G-C.
Other names: short protein forms R233T.
Identifiers: ClinVar variation 1983418 (VCV001983418.2), dbSNP rs1253405974, ClinGen allele CA374590849.

ClinVar aggregate classification (germline): Uncertain significance. Review status: criteria provided, multiple submitters, no conflicts (2 of 4 stars). 2 submissions from 2 submitters: Uncertain significance (2). Last evaluated 2022-03-11.

Conditions:
Inborn genetic diseases. Identifiers: MedGen C0950123, MeSH D030342.

Allele frequency attached by ClinVar (database versions not stated): TOPMed below 0.00001.
gnomAD v4.1: 3 of 1,614,004 alleles (0.00019%); no homozygotes.

Submissions (2):

Ambry Genetics
Classification: Uncertain significance for Inborn genetic diseases. Last evaluated: 2022-03-11. Review status: criteria provided, single submitter. Criteria: Ambry Variant Classification Scheme 2023. Collection method: clinical testing. Allele origin: germline.

Labcorp Genetics (formerly Invitae), Labcorp
Classification: Uncertain significance. Last evaluated: 2022-02-06. Review status: criteria provided, single submitter. Criteria: Invitae Variant Classification Sherloc (09022015). Collection method: clinical testing. Allele origin: germline.
Comment: This sequence change replaces arginine, which is basic and polar, with threonine, which is neutral and polar, at codon 233 of the COL27A1 protein (p.Arg233Thr). This variant is present in population databases (no rsID available, gnomAD 0.003%). This variant has not been reported in the literature in individuals affected with COL27A1-related conditions. Advanced modeling of protein sequence and biophysical properties (such as structural, functional, and spatial information, amino acid conservation, physicochemical variation, residue mobility, and thermodynamic stability) performed at Invitae indicates that this missense variant is not expected to disrupt COL27A1 protein function. In summary, the available evidence is currently insufficient to determine the role of this variant in disease. Therefore, it has been classified as a Variant of Uncertain Significance.